The following is an entry in ClinVar:

ClinVar aggregate classification (germline): Uncertain significance (1 of 4 stars; one submission).

Conditions:
Familial thoracic aortic aneurysm and aortic dissection (TAAD). Also called: Thoracic aortic aneurysms and dissections. Identifiers: Orphanet 91387, MedGen C4707243, MONDO:0019625.

Submission:

Ambry Genetics
Classification: Uncertain significance for Familial thoracic aortic aneurysm and aortic dissection. Last evaluated: 2026-03-15. Review status: criteria provided, single submitter. Criteria: Ambry Variant Classification Scheme 2023. Collection method: clinical testing. Allele origin: germline.
Comment: The p.W540G variant (also known as c.1618T>G), located in coding exon 13 of the MYH11 gene, results from a T to G substitution at nucleotide position 1618. The tryptophan at codon 540 is replaced by glycine, an amino acid with highly dissimilar properties. This amino acid position is conserved. In addition, this alteration is predicted to be deleterious by in silico analysis. Based on the available evidence, the clinical significance of this variant remains unclear.

NM_002474.3(MYH11):c.1618T>G (p.Trp540Gly)

Gene: MYH11 (myosin heavy chain 11; minus strand). Cytogenetic location: 16p13.11.
Variant type: single nucleotide variant.
Coding change: c.1618T>G on transcript NM_002474.3 (MANE Select); coding-DNA position 1618, T replaced by G.
Protein change: p.Trp540Gly; replaces tryptophan 540 with glycine.
Molecular consequence: missense variant.
Genome position (GRCh38, 1-based): chr16:15,756,472, A>C on the plus strand (T>G on the coding strand, the complement: MYH11 is on the minus strand). VCF-style: chr16-15756472-A-C. GRCh37 (hg19) VCF-style: chr16-15850329-A-C.
Other names: c.1639T>G, p.Trp547Gly (NM_001040113.2, NM_001040114.2); c.1618T>G, p.Trp540Gly (NM_022844.3); short protein forms W540G, W547G.
Identifiers: ClinVar variation 4860527 (VCV004860527.1).